The following is an entry in ClinVar:

ClinVar aggregate classification (germline): Uncertain significance (1 of 4 stars; one submission).

Allele frequency attached by ClinVar (database versions not stated): gnomAD exomes below 0.00001 and 0.00001.
gnomAD v4.1: 9 of 1,613,540 alleles (0.00056%); highest among the groups gnomAD compares: South Asian, 0.0011%; no homozygotes.

Submission:

Labcorp Genetics (formerly Invitae), Labcorp
Classification: Uncertain significance. Last evaluated: 2021-07-17. Review status: criteria provided, single submitter. Criteria: Invitae Variant Classification Sherloc (09022015). Collection method: clinical testing. Allele origin: germline.
Comment: In summary, the available evidence is currently insufficient to determine the role of this variant in disease. Therefore, it has been classified as a Variant of Uncertain Significance. Algorithms developed to predict the effect of missense changes on protein structure and function are either unavailable or do not agree on the potential impact of this missense change (SIFT: "Deleterious"; PolyPhen-2: "Probably Damaging"; Align-GVGD: "Class C0"). This variant has not been reported in the literature in individuals affected with ADGRA3-related conditions. This variant is not present in population databases (ExAC no frequency). This sequence change replaces cysteine with tyrosine at codon 517 of the ADGRA3 protein (p.Cys517Tyr). The cysteine residue is highly conserved and there is a large physicochemical difference between cysteine and tyrosine.

NM_145290.4(ADGRA3):c.1550G>A (p.Cys517Tyr)

Gene: ADGRA3 (adhesion G protein-coupled receptor A3; minus strand). Cytogenetic location: 4p15.2.
Variant type: single nucleotide variant.
Coding change: c.1550G>A on transcript NM_145290.4 (MANE Select); coding-DNA position 1550, G replaced by A.
Protein change: p.Cys517Tyr; replaces cysteine 517 with tyrosine.
Molecular consequence: missense variant.
Genome position (GRCh38, 1-based): chr4:22,424,246, C>T on the plus strand (G>A on the coding strand, the complement: ADGRA3 is on the minus strand). VCF-style: chr4-22424246-C-T. GRCh37 (hg19) VCF-style: chr4-22425869-C-T.
Other names: short protein forms C517Y.
Identifiers: ClinVar variation 1481819 (VCV001481819.8), dbSNP rs201298150, ClinGen allele CA93520366.